The following is an entry in ClinVar:

NM_013254.4(TBK1):c.1321A>C (p.Lys441Gln)

Gene: TBK1 (TANK binding kinase 1; plus strand). Cytogenetic location: 12q14.2.
Variant type: single nucleotide variant.
Coding change: c.1321A>C on transcript NM_013254.4 (MANE Select); coding-DNA position 1321, A replaced by C.
Protein change: p.Lys441Gln; replaces lysine 441 with glutamine.
Molecular consequence: missense variant.
Genome position (GRCh38, 1-based): chr12:64,485,998, A>C. VCF-style: chr12-64485998-A-C. GRCh37 (hg19) VCF-style: chr12-64879778-A-C.
Other names: short protein forms K441Q.
Identifiers: ClinVar variation 1394103 (VCV001394103.6), dbSNP rs2136079527, ClinGen allele CA385601329.
Genomic context (GRCh38, chr12:64,485,998, plus strand): 5'-GTTGTGTGTTATGCCTGCAGAATTGCCAGTACCTTACTGCTTTATCAGGAATTAATGCGA[A>C]AGGGGATACGATGGCTGATGTAAGTAATAGATTGAAATTTTGAAATTGATTTTCATGTAG-3'
Protein context (NP_037386.1, residues 431-451): TLLLYQELMR[Lys441Gln]GIRWLIELIK

ClinVar aggregate classification (germline): Uncertain significance (1 of 4 stars; one submission).

Conditions:
Frontotemporal dementia and/or amyotrophic lateral sclerosis 4. Also called: FTDALS4. Identifiers: Orphanet 275872, MedGen C4225325, MONDO:0014641, OMIM 616439.

Allele frequency attached by ClinVar (database versions not stated): gnomAD exomes below 0.00001.
gnomAD v4.1: 1 of 1,590,646 alleles (0.000063%); highest among the groups gnomAD compares: South Asian, 0.0011%; no homozygotes.

Submission:

Labcorp Genetics (formerly Invitae), Labcorp
Classification: Uncertain significance for Frontotemporal dementia and/or amyotrophic lateral sclerosis 4. Last evaluated: 2021-11-19. Review status: criteria provided, single submitter. Criteria: Invitae Variant Classification Sherloc (09022015). Collection method: clinical testing. Allele origin: germline.
Comment: This variant has not been reported in the literature in individuals affected with TBK1-related conditions. Advanced modeling of protein sequence and biophysical properties (such as structural, functional, and spatial information, amino acid conservation, physicochemical variation, residue mobility, and thermodynamic stability) performed at Invitae indicates that this missense variant is not expected to disrupt TBK1 protein function. In summary, the available evidence is currently insufficient to determine the role of this variant in disease. Therefore, it has been classified as a Variant of Uncertain Significance. This sequence change replaces lysine, which is basic and polar, with glutamine, which is neutral and polar, at codon 441 of the TBK1 protein (p.Lys441Gln). This variant is not present in population databases (gnomAD no frequency).